The following is an entry in ClinVar:

ClinVar aggregate classification (germline): Uncertain significance (1 of 4 stars; one submission).

Conditions:
Autosomal dominant hypocalcemia 1 (HYPOC1). Also called: HYPOCALCEMIA, FAMILIAL. Identifiers: MedGen C3715128, MONDO:0011013, OMIM 601198.
Familial hypocalciuric hypercalcemia (FHH). Also called: Familial benign hypercalcemia. Identifiers: Orphanet 405, MedGen C1809471, MONDO:0018458.

Submission:

Labcorp Genetics (formerly Invitae), Labcorp
Classification: Uncertain significance for Familial hypocalciuric hypercalcemia; Autosomal dominant hypocalcemia 1. Last evaluated: 2019-05-15. Review status: criteria provided, single submitter. Criteria: Invitae Variant Classification Sherloc (09022015). Collection method: clinical testing. Allele origin: germline.
Comment: This variant has been reported to have conflicting or insufficient data to determine the effect on CASR protein function (PMID: 27666534). This variant has been observed in an individual with clinical features of familial hypocalciuric hypercalcemia (PMID: 27666534). This variant is not present in population databases (ExAC no frequency). This sequence change replaces isoleucine with leucine at codon 777 of the CASR protein (p.Ile777Leu). The isoleucine residue is highly conserved and there is a small physicochemical difference between isoleucine and leucine. In summary, the available evidence is currently insufficient to determine the role of this variant in disease. Therefore, it has been classified as a Variant of Uncertain Significance.

Literature cited by the submitters: PubMed 27666534.

NM_000388.4(CASR):c.2329A>C (p.Ile777Leu)

Gene: CASR (calcium sensing receptor; plus strand). Cytogenetic location: 3q21.1.
Variant type: single nucleotide variant.
Coding change: c.2329A>C on transcript NM_000388.4 (MANE Select); coding-DNA position 2329, A replaced by C.
Protein change: p.Ile777Leu; replaces isoleucine 777 with leucine.
Molecular consequence: missense variant.
Genome position (GRCh38, 1-based): chr3:122,284,283, A>C. VCF-style: chr3-122284283-A-C. GRCh37 (hg19) VCF-style: chr3-122003130-A-C.
Other names: c.2359A>C, p.Ile787Leu (NM_001178065.2); short protein forms I777L, I787L.
Identifiers: ClinVar variation 936923 (VCV000936923.10), dbSNP rs2074936383, ClinGen allele CA354159533.